The following is an entry in ClinVar:

NM_001148.6(ANK2):c.10907G>A (p.Cys3636Tyr)

Gene: ANK2 (ankyrin 2; plus strand). Cytogenetic location: 4q26.
Variant type: single nucleotide variant.
Coding change: c.10907G>A on transcript NM_001148.6 (MANE Select); coding-DNA position 10907, G replaced by A.
Protein change: p.Cys3636Tyr; replaces cysteine 3636 with tyrosine.
Molecular consequence: missense variant.
Genome position (GRCh38, 1-based): chr4:113,365,057, G>A. VCF-style: chr4-113365057-G-A. GRCh37 (hg19) VCF-style: chr4-114286213-G-A.
Other names: c.4625G>A, p.Cys1542Tyr (NM_001127493.3); c.4664G>A, p.Cys1555Tyr (NM_001354225.2); c.4553G>A, p.Cys1518Tyr (NM_001354228.2, NM_001354258.2); c.4631G>A, p.Cys1544Tyr (NM_001354230.2); c.4694G>A, p.Cys1565Tyr (NM_001354231.2, NM_001354242.2); c.4688G>A, p.Cys1563Tyr (NM_001354232.2); c.4649G>A, p.Cys1550Tyr (NM_001354235.2, NM_001354246.2, NM_001354265.2); c.4550G>A, p.Cys1517Tyr (NM_001354236.2); and 35 more; short protein forms C1456Y, C1464Y, C1473Y, C1480Y, C1504Y, C1508Y, C1529Y, C1542Y.
Identifiers: ClinVar variation 4613540 (VCV004613540.1).

ClinVar aggregate classification (germline): Uncertain significance (1 of 4 stars; one submission).

Conditions:
Cardiovascular phenotype. Identifiers: MedGen CN230736.

gnomAD v4.1: 3 of 1,613,712 alleles (0.00019%); highest among the groups gnomAD compares: African/African-American, 0.0013%; no homozygotes.

Submission:

Ambry Genetics
Classification: Uncertain significance for Cardiovascular phenotype. Last evaluated: 2025-09-23. Review status: criteria provided, single submitter. Criteria: Ambry Variant Classification Scheme 2023. Collection method: clinical testing. Allele origin: germline.
Comment: The p.C3636Y variant (also known as c.10907G>A), located in coding exon 41 of the ANK2 gene, results from a G to A substitution at nucleotide position 10907. The cysteine at codon 3636 is replaced by tyrosine, an amino acid with highly dissimilar properties. This variant was reported in individual(s) from cohorts of patients with neurodevelopmental disorders (Stessman HA et al. Nat Genet, 2017 Apr;49:515-526; Wang T et al. Nat Commun, 2020 Oct;11:4932). Note, this variant is also referred to as p.Cys3668Tyr (c.11003G>A) in the literature. This amino acid position is well conserved in available vertebrate species. In addition, this alteration is predicted to be deleterious by in silico analysis. Based on the available evidence, the clinical significance of this variant remains unclear.

Literature cited by the submitters: PubMed 28191889; PubMed 33004838.